The following is an entry in ClinVar:

Single allele

Genes: ATP10A (ATPase phospholipid transporting 10A (putative); minus strand), ATP10A-DT (ATP10A divergent transcript; plus strand), CYFIP1 (cytoplasmic FMR1 interacting protein 1; minus strand), GABRA5 (gamma-aminobutyric acid type A receptor subunit alpha5; plus strand), GABRB3 (gamma-aminobutyric acid type A receptor subunit beta3; minus strand) and 154 more. Cytogenetic location: 15q11.2-13.1.
Variant type: Deletion.
Identifiers: ClinVar variation 4819201 (VCV004819201.1).

ClinVar aggregate classification (germline): Pathogenic (1 of 4 stars; one submission).

Conditions:
Angelman syndrome (AS). Also called: HAPPY PUPPET SYNDROME. Identifiers: Orphanet 72, MedGen C0162635, MONDO:0007113, OMIM 105830. Disease mechanism: loss of function. Inheritance: AS is caused by disruption of maternally imprinted UBE3A located within the 15q11.2-q13 Angelman syndrome/Prader-Willi syndrome (AS/PWS) region., imprinting disorder.

Submission:

Broad Center for Mendelian Genomics, Broad Institute of MIT and Harvard
Classification: Pathogenic for Angelman syndrome. Last evaluated: 2023-05-01. Review status: criteria provided, single submitter. Criteria: ACMG/ClinGen CNV Guidelines, 2019. Collection method: research. Allele origin: germline. Inheritance: Autosomal dominant inheritance. Affected: yes.
Comment: A confirmed de novo heterozygous deletion of 15q11.2-q13.1 ([GRCh38] chr15:22810652_28280385x1) encompassing 27 genes was identified on the maternal chromosome by exome sequencing of two individuals with global developmental delay, delayed fine and gross motor development, seizures, and abnormal social behavior via a collaborative study between the Broad Institute's Center for Mendelian Genomics and the NeuroDev Study. These breakpoints have been called by exome sequencing only and therefore may not reflect the true breakpoints. The patient phenotypes are nonspecific, but are consistent with cases described in the literature and/or published databases with overlapping variants. There is complete overlap with the 15q11.2 recurrent region (BP1-BP2) (includes NIPA1), 15q11.2q13 recurrent (PWS/AS) region (Class 1, BP1-BP3), and 15q11.2q13 recurrent (PWS/AS) region (Class 2,BP2-BP3), along with the UBE3A gene, which are all known to be haploinsufficient and have been assessed by the ClinGen Dosage Sensitivity Working Group. Data from large population studies are insufficient to assess the frequency of this variant. In summary, this variant meets criteria to be classified as pathogenic for autosomal dominant Angelman syndrome. The ACMG/ClinGen evidence codes and points used in this curation are as follows: 1: 0 points, 2: 1 points, 3: 0.45 points, 4-5: 0.3 points; Total: 1.75 points; Riggs 2020 (PMID: 31690835).